The following is an entry in ClinVar:

NM_015459.5(ATL3):c.1436T>A (p.Leu479Gln)

Genes: ATL3 (atlastin GTPase 3; minus strand), LNCROPM (lncRNA regulator of PLAAT3 mediated phospholipid metabolism; plus strand). Cytogenetic location: 11q13.1.
Variant type: single nucleotide variant.
Coding change: c.1436T>A on transcript NM_015459.5 (MANE Select); coding-DNA position 1436, T replaced by A.
Protein change: p.Leu479Gln; replaces leucine 479 with glutamine.
Molecular consequence: missense variant.
Genome position (GRCh38, 1-based): chr11:63,631,143, A>T on the plus strand (T>A on the coding strand, the complement: ATL3 is on the minus strand). VCF-style: chr11-63631143-A-T. GRCh37 (hg19) VCF-style: chr11-63398615-A-T.
Other names: c.1382T>A, p.Leu461Gln (NM_001290048.2); short protein forms L479Q, L461Q.
Identifiers: ClinVar variation 1353431 (VCV001353431.8), dbSNP rs2134461651, ClinGen allele CA381024951.
Genomic context (GRCh38, chr11:63,631,143, plus strand): 5'-AGCTCACGATATTGACCAGAATACCTGATGTAGCCCCAGGTGAGGAGTGCTATTAACAGT[A>T]GTCCAACCATACAGTTGAACAACTGGGCTACAACCTCAAGACCTATGAAGCCAGTGAGGC-3'
Protein context (NP_056274.3, residues 469-489): VAQLFNCMVG[Leu479Gln]LLIALLTWGY

ClinVar aggregate classification (germline): Uncertain significance (1 of 4 stars; one submission).

Conditions:
Neuropathy, hereditary sensory, type 1F. Also called: HSN IF; Hereditary sensory neuropathy type IF. Identifiers: Orphanet 36386, MedGen C3810194, MONDO:0014286, OMIM 615632.

gnomAD v4.1: 1 of 1,614,226 alleles (0.000062%); highest among the groups gnomAD compares: African/African-American, 0.0013%; no homozygotes.

Submission:

Labcorp Genetics (formerly Invitae), Labcorp
Classification: Uncertain significance for Neuropathy, hereditary sensory, type 1F. Last evaluated: 2021-05-13. Review status: criteria provided, single submitter. Criteria: Invitae Variant Classification Sherloc (09022015). Collection method: clinical testing. Allele origin: germline.
Comment: This sequence change replaces leucine with glutamine at codon 479 of the ATL3 protein (p.Leu479Gln). The leucine residue is highly conserved and there is a moderate physicochemical difference between leucine and glutamine. This variant has not been reported in the literature in individuals with ATL3-related conditions. This variant is not present in population databases (ExAC no frequency). Algorithms developed to predict the effect of missense changes on protein structure and function (SIFT, PolyPhen-2, Align-GVGD) all suggest that this variant is likely to be disruptive, but these predictions have not been confirmed by published functional studies and their clinical significance is uncertain. In summary, the available evidence is currently insufficient to determine the role of this variant in disease. Therefore, it has been classified as a Variant of Uncertain Significance.